The following is an entry in ClinVar:

ClinVar aggregate classification (germline): Pathogenic (1 of 4 stars; one submission).

Conditions:
Neurofibromatosis, type 1 (NF1). Also called: Neurofibromatosis, type I; Peripheral type neurofibromatosis; VON RECKLINGHAUSEN DISEASE; NEUROFIBROMATOSIS, TYPE I, SOMATIC. Identifiers: Orphanet 636, MedGen C0027831, MONDO:0018975, OMIM 162200. Disease mechanism: loss of function.

Submission:

Labcorp Genetics (formerly Invitae), Labcorp
Classification: Pathogenic for Neurofibromatosis, type 1. Last evaluated: 2022-07-16. Review status: criteria provided, single submitter. Criteria: Invitae Variant Classification Sherloc (09022015). Collection method: clinical testing. Allele origin: germline.
Comment: This sequence change creates a premature translational stop signal (p.Lys1827*) in the NF1 gene. It is expected to result in an absent or disrupted protein product. Loss-of-function variants in NF1 are known to be pathogenic (PMID: 10712197, 23913538). This variant is not present in population databases (gnomAD no frequency). This variant has not been reported in the literature in individuals affected with NF1-related conditions. For these reasons, this variant has been classified as Pathogenic.

Literature cited by the submitters: PubMed 10712197; PubMed 23913538.

NM_001042492.3(NF1):c.5542A>T (p.Lys1848Ter)

Gene: NF1 (neurofibromin 1; plus strand). Cytogenetic location: 17q11.2.
Variant type: single nucleotide variant.
Coding change: c.5542A>T on transcript NM_001042492.3 (MANE Select); coding-DNA position 5542, A replaced by T.
Protein change: p.Lys1848Ter; replaces lysine 1848 with a stop codon.
Molecular consequence: nonsense.
Genome position (GRCh38, 1-based): chr17:31,327,772, A>T. VCF-style: chr17-31327772-A-T. GRCh37 (hg19) VCF-style: chr17-29654790-A-T.
Other names: c.5479A>T, p.Lys1827Ter (NM_000267.4); short protein forms K1827*, K1848*.
Identifiers: ClinVar variation 2012173 (VCV002012173.4), dbSNP rs2151541714, ClinGen allele CA399009826.